The following is an entry in ClinVar:

ClinVar aggregate classification (germline): Uncertain significance. Review status: criteria provided, multiple submitters, no conflicts (2 of 4 stars). 2 submissions from 2 submitters: Uncertain significance (2). Last evaluated 2022-02-09.

Conditions:
Autosomal dominant Alport syndrome (ATS3A). Also called: Alport syndrome dominant type; Renal failure and sensorineural hearing loss; ALPORT SYNDROME 3A, AUTOSOMAL DOMINANT. Identifiers: Orphanet 63, Orphanet 88918, MedGen C5882663, MONDO:0007086, OMIM 104200.
Autosomal recessive Alport syndrome (ATS2). Also called: COL4A4 Alport Syndrome and Thin Basement Membrane Nephropathy; Alport syndrome type 2; COL4A3-Related Nephropathy; ALPORT SYNDROME 2, AUTOSOMAL RECESSIVE. Identifiers: Orphanet 63, Orphanet 88919, MedGen C4746745, MONDO:0008762, OMIM 203780.
Benign familial hematuria. Also called: thin basement membrane disease. Identifiers: MedGen C0241908, MONDO:0957317.

Submissions (2):

Fulgent Genetics
Classification: Uncertain significance for Autosomal dominant Alport syndrome; Hematuria, benign familial, 1; Autosomal recessive Alport syndrome. Last evaluated: 2022-02-09. Review status: criteria provided, single submitter. Criteria: ACMG Guidelines, 2015. Collection method: clinical testing. Allele origin: unknown.

GeneDx
Classification: Uncertain significance. Last evaluated: 2020-02-19. Review status: criteria provided, single submitter. Criteria: GeneDx Variant Classification Process June 2021. Collection method: clinical testing. Allele origin: germline. Affected: yes.
Comment: Has not been previously published as pathogenic or benign to our knowledge; Not observed in large population cohorts (Lek et al., 2016); In silico analysis, which includes splice predictors and evolutionary conservation, supports that this variant does not alter protein structure/function

NM_000091.5(COL4A3):c.1970C>T (p.Pro657Leu)

Genes: COL4A3 (collagen type IV alpha 3 chain; plus strand), MFF-DT (MFF divergent transcript; minus strand). Cytogenetic location: 2q36.3.
Variant type: single nucleotide variant.
Coding change: c.1970C>T on transcript NM_000091.5 (MANE Select); coding-DNA position 1970, C replaced by T.
Protein change: p.Pro657Leu; replaces proline 657 with leucine.
Molecular consequence: missense variant.
Genome position (GRCh38, 1-based): chr2:227,276,427, C>T. VCF-style: chr2-227276427-C-T. GRCh37 (hg19) VCF-style: chr2-228141143-C-T.
Other names: short protein forms P657L.
Identifiers: ClinVar variation 1305780 (VCV001305780.3), dbSNP rs2106124698, ClinGen allele CA350846284.
Genomic context (GRCh38, chr2:227,276,427, plus strand): 5'-ACCACAAATTTCCTTAAGGCCCTAGGGGAGAGCTCAGTGTTTCAACACCAGTTCCAGGCC[C>T]ACCAGGACCTCCAGGGCCCCCTGGCCATCCTGGCCCCCAAGGTCCACCTGGTAAGTATCC-3'
Protein context (NP_000082.2, residues 647-667): ELSVSTPVPG[Pro657Leu]PGPPGPPGHP